The following is an entry in ClinVar:

NM_021224.6(ZNF462):c.219A>G (p.Ser73=)

Gene: ZNF462 (zinc finger protein 462; plus strand). Cytogenetic location: 9q31.2.
Variant type: single nucleotide variant.
Coding change: c.219A>G on transcript NM_021224.6 (MANE Select); coding-DNA position 219, A replaced by G.
Protein change: p.Ser73=; no amino-acid change (serine 73 retained).
Molecular consequence: synonymous variant.
Genome position (GRCh38, 1-based): chr9:106,923,602, A>G. VCF-style: chr9-106923602-A-G. GRCh37 (hg19) VCF-style: chr9-109685883-A-G.
Other names: c.219A>G, p.Ser73= (NM_001347997.2).
Identifiers: ClinVar variation 2505692 (VCV002505692.1), dbSNP rs1830071684, ClinGen allele CA466363384.

ClinVar aggregate classification (germline): Uncertain significance (1 of 4 stars; one submission).

Allele frequency attached by ClinVar (database versions not stated): TOPMed 0.00001.
gnomAD v4.1: 3 of 1,613,472 alleles (0.00019%); highest among the groups gnomAD compares: African/African-American, 0.004%; no homozygotes.

Submission:

GeneDx
Classification: Uncertain significance. Last evaluated: 2022-12-19. Review status: criteria provided, single submitter. Criteria: GeneDx Variant Classification Process June 2021. Collection method: clinical testing. Allele origin: germline. Affected: yes.
Comment: Not observed at significant frequency in large population cohorts (gnomAD); In silico analysis supports that this variant does not alter splicing; Has not been previously published as pathogenic or benign to our knowledge